The following is an entry in ClinVar:

ClinVar aggregate classification (germline): Benign. Review status: criteria provided, multiple submitters, no conflicts (2 of 4 stars). 2 submissions from 2 submitters: Benign (2). Last evaluated 2018-06-19.

Allele frequency attached by ClinVar (database versions not stated): 1000 Genomes Project 30x 0.27217; 1000 Genomes Project 0.27576; TOPMed 0.34743; gnomAD 0.34909 and 0.35427.
gnomAD v4.1: 53,134 of 151,782 alleles (35%); highest among the groups gnomAD compares: Non-Finnish European, 42%; 9,930 homozygotes.

Submissions (2):

GeneDx
Classification: Benign. Last evaluated: 2018-06-19. Review status: criteria provided, single submitter. Criteria: GeneDx Variant Classification (06012015). Collection method: clinical testing. Allele origin: germline. Affected: yes.
Comment: This variant is considered likely benign or benign based on one or more of the following criteria: it is a conservative change, it occurs at a poorly conserved position in the protein, it is predicted to be benign by multiple in silico algorithms, and/or has population frequency not consistent with disease.

Breakthrough Genomics
Classification: Benign. Review status: criteria provided, single submitter. Criteria: ACMG Guidelines, 2015. Collection method: not provided. Allele origin: germline. Inheritance: Autosomal recessive inheritance. Affected: yes.

NM_016156.6(MTMR2):c.1593+297C>T

Gene: MTMR2 (myotubularin related protein 2; minus strand). Cytogenetic location: 11q21.
Variant type: single nucleotide variant.
Coding change: c.1593+297C>T on transcript NM_016156.6 (MANE Select); 297 bases into the intron after coding-DNA position 1593, C replaced by T.
Molecular consequence: intron variant.
Genome position (GRCh38, 1-based): chr11:95,837,797, G>A on the plus strand (C>T on the coding strand, the complement: MTMR2 is on the minus strand). VCF-style: chr11-95837797-G-A. GRCh37 (hg19) VCF-style: chr11-95570961-G-A.
Other names: c.1377+297C>T (NM_201281.3, NM_201278.3, NM_001243571.2).
Identifiers: ClinVar variation 668751 (VCV000668751.2), dbSNP rs523153, ClinGen allele CA13467542.
Genomic context (GRCh38, chr11:95,837,797, plus strand): 5'-TATACATTTTCTGCTAATTAAATTTTTCTGCACCTGCTGTAAAGGATTTCCATTCTACAT[G>A]GAAAAATTGGTACACTGGTGCTCCTTAGATTTCACGTACTTCAGTTCTCTTTAGCAGAAA-3'